The following is an entry in ClinVar:

ClinVar aggregate classification (germline): Benign. Review status: criteria provided, single submitter (1 of 4 stars). 2 submissions from 1 submitter: Benign (2). Last evaluated 2018-01-13.

Conditions:
Adult-onset proximal spinal muscular atrophy, autosomal dominant. Also called: Spinal muscular atrophy, late-onset, finkel type; FINKEL LATE-ADULT TYPE SMA. Identifiers: Orphanet 209335, MedGen C1854058, MONDO:0008453, OMIM 182980.
Amyotrophic lateral sclerosis type 8 (ALS8). Identifiers: Orphanet 803, MedGen C1837728, MONDO:0012077, OMIM 608627.

Allele frequency attached by ClinVar (database versions not stated): ExAC 0.00028; gnomAD exomes 0.00057 and 0.00093; gnomAD 0.00474 and 0.00501; TOPMed 0.00514; 1000 Genomes Project 0.00699; 1000 Genomes Project 30x 0.00703.
gnomAD v4.1: 896 of 454,174 alleles (0.2%); highest among the groups gnomAD compares: African/African-American, 1.6%; 11 homozygotes.

Submissions (2):

Illumina Laboratory Services, Illumina
Classification: Benign for Amyotrophic lateral sclerosis type 8. Last evaluated: 2018-01-13. Review status: criteria provided, single submitter. Criteria: ICSL Variant Classification Criteria 13 December 2019. Collection method: clinical testing. Allele origin: germline.
Comment: This variant was observed in the ICSL laboratory as part of a predisposition screen in an ostensibly healthy population. It had not been previously curated by ICSL or reported in the Human Gene Mutation Database (HGMD: prior to June 1st, 2018), and was therefore a candidate for classification through an automated scoring system. Utilizing variant allele frequency, disease prevalence and penetrance estimates, and inheritance mode, an automated score was calculated to assess if this variant is too frequent to cause the disease. Based on the score and internal cut-off values, a variant classified as benign is not then subjected to further curation. The score for this variant resulted in a classification of benign for this disease.

Illumina Laboratory Services, Illumina
Classification: Benign for Adult-onset proximal spinal muscular atrophy, autosomal dominant. Last evaluated: 2018-01-13. Review status: criteria provided, single submitter. Criteria: ICSL Variant Classification Criteria 13 December 2019. Collection method: clinical testing. Allele origin: germline.
Comment: the same text as in the submission from Illumina Laboratory Services, Illumina above.

NM_004738.5(VAPB):c.*995T>G

Gene: VAPB (VAMP associated protein B and C; plus strand). Cytogenetic location: 20q13.32.
Variant type: single nucleotide variant.
Coding change: c.*995T>G on transcript NM_004738.5 (MANE Select); 995 bases downstream of the stop codon, T replaced by G.
Molecular consequence: 3 prime UTR variant. On other transcripts: non-coding transcript variant (1).
Genome position (GRCh38, 1-based): chr20:58,445,230, T>G. VCF-style: chr20-58445230-T-G. GRCh37 (hg19) VCF-style: chr20-57020286-T-G.
Other names: c.*1065T>G (NM_001195677.2).
Identifiers: ClinVar variation 894924 (VCV000894924.5), dbSNP rs76895132, ClinGen allele CA9924420.